The following is an entry in ClinVar:

NM_052867.4(NALCN):c.4004G>A (p.Ser1335Asn)

Gene: NALCN (sodium leak channel, non-selective; minus strand). Cytogenetic location: 13q32.3.
Variant type: single nucleotide variant.
Coding change: c.4004G>A on transcript NM_052867.4 (MANE Select); coding-DNA position 4004, G replaced by A.
Protein change: p.Ser1335Asn; replaces serine 1335 with asparagine.
Molecular consequence: missense variant.
Genome position (GRCh38, 1-based): chr13:101,074,613, C>T on the plus strand (G>A on the coding strand, the complement: NALCN is on the minus strand). VCF-style: chr13-101074613-C-T. GRCh37 (hg19) VCF-style: chr13-101726964-C-T.
Other names: c.4091G>A, p.Ser1364Asn (NM_001350748.2); c.4004G>A, p.Ser1335Asn (NM_001350749.2); c.3917G>A, p.Ser1306Asn (NM_001350750.2, NM_001350751.2); short protein forms S1306N, S1335N, S1364N.
Identifiers: ClinVar variation 1690617 (VCV001690617.6), dbSNP rs2139471533, ClinGen allele CA388649519.

ClinVar aggregate classification (germline): Conflicting classifications of pathogenicity. Review status: criteria provided, conflicting classifications (1 of 4 stars). 5 submissions from 5 submitters: Likely pathogenic (1); Uncertain significance (3). 1 of the submissions does not count toward it. Last evaluated 2025-12-18.

Conditions:
Congenital contractures of the limbs and face, hypotonia, and developmental delay (CLIFAHDD). Identifiers: Orphanet 562528, MedGen C4225398, MONDO:0014556, OMIM 616266.

Submissions (5):

Equipe Genetique des Anomalies du Developpement, Université de Bourgogne
Classification: Likely pathogenic for Congenital contractures of the limbs and face, hypotonia, and developmental delay. Last evaluated: 2025-12-18. Review status: criteria provided, single submitter. Criteria: ACMG Guidelines, 2015. Collection method: clinical testing. Allele origin: de novo. Affected: yes.

Blueprint Genetics
Classification: Uncertain significance. Last evaluated: 2023-06-29. Review status: criteria provided, single submitter. Criteria: ACMG Guidelines, 2015. Collection method: clinical testing. Allele origin: germline.

Clinical Genetics Laboratory, Skane University Hospital Lund
Classification: Uncertain significance. Last evaluated: 2022-05-27. Review status: criteria provided, single submitter. Criteria: ACMG Guidelines, 2015. Collection method: clinical testing. Allele origin: germline. Affected: yes.

Laboratorio de Genetica e Diagnostico Molecular, Hospital Israelita Albert Einstein
Classification: Uncertain significance. Last evaluated: 2021-03-25. Review status: criteria provided, single submitter. Criteria: ACMG Guidelines, 2015. Collection method: clinical testing. Allele origin: germline. Affected: yes.
Comment: ACMG classification criteria: PM2, PP3

Molecular Genetics laboratory, Necker Hospital
Classification: Likely pathogenic. Last evaluated: 2022-06-14. Review status: no assertion criteria provided. Collection method: clinical testing. Allele origin: de novo. Affected: yes. Not counted in ClinVar's aggregate classification.